The following is an entry in ClinVar:

NM_003846.3(PEX11B):c.518T>A (p.Leu173His)

Gene: PEX11B (peroxisomal biogenesis factor 11 beta; minus strand). Cytogenetic location: 1q21.1.
Variant type: single nucleotide variant.
Coding change: c.518T>A on transcript NM_003846.3 (MANE Select); coding-DNA position 518, T replaced by A.
Protein change: p.Leu173His; replaces leucine 173 with histidine.
Molecular consequence: missense variant. On other transcripts: non-coding transcript variant (3).
Genome position (GRCh38, 1-based): chr1:145,912,423, A>T on the plus strand (T>A on the coding strand, the complement: PEX11B is on the minus strand). VCF-style: chr1-145912423-A-T. GRCh37 (hg19) VCF-style: chr1-145522657-T-A.
Other names: c.476T>A, p.Leu159His (NM_001184795.1); short protein forms L173H, L159H.
Identifiers: ClinVar variation 1997971 (VCV001997971.4), dbSNP rs1553753280, ClinGen allele CA342121189.

ClinVar aggregate classification (germline): Uncertain significance (1 of 4 stars; one submission).

gnomAD v4.1: 2 of 1,578,468 alleles (0.00013%); highest among the groups gnomAD compares: Middle Eastern, 0.017%; no homozygotes.

Submission:

Labcorp Genetics (formerly Invitae), Labcorp
Classification: Uncertain significance. Last evaluated: 2022-11-01. Review status: criteria provided, single submitter. Criteria: Invitae Variant Classification Sherloc (09022015). Collection method: clinical testing. Allele origin: germline.
Comment: In summary, the available evidence is currently insufficient to determine the role of this variant in disease. Therefore, it has been classified as a Variant of Uncertain Significance. Algorithms developed to predict the effect of missense changes on protein structure and function are either unavailable or do not agree on the potential impact of this missense change (SIFT: "Deleterious"; PolyPhen-2: "Benign"; Align-GVGD: "Class C0"). This variant has not been reported in the literature in individuals affected with PEX11B-related conditions. This variant is not present in population databases (gnomAD no frequency). This sequence change replaces leucine, which is neutral and non-polar, with histidine, which is basic and polar, at codon 173 of the PEX11B protein (p.Leu173His).